The following is an entry in ClinVar:

NM_004963.4(GUCY2C):c.2160G>A (p.Val720=)

Gene: GUCY2C (guanylate cyclase 2C; minus strand). Cytogenetic location: 12p12.3.
Variant type: single nucleotide variant.
Coding change: c.2160G>A on transcript NM_004963.4 (MANE Select); coding-DNA position 2160, G replaced by A.
Protein change: p.Val720=; no amino-acid change (valine 720 retained).
Molecular consequence: synonymous variant.
Genome position (GRCh38, 1-based): chr12:14,628,735, C>T on the plus strand (G>A on the coding strand, the complement: GUCY2C is on the minus strand). VCF-style: chr12-14628735-C-T. GRCh37 (hg19) VCF-style: chr12-14781669-C-T.
Other names: p.Val720=.
Identifiers: ClinVar variation 768534 (VCV000768534.17), dbSNP rs7956595, ClinGen allele CA6463144.

ClinVar aggregate classification (germline): Benign. Review status: criteria provided, multiple submitters, no conflicts (2 of 4 stars). 5 submissions from 5 submitters: Benign (4). 1 of the submissions does not count toward it. Last evaluated 2026-02-01.

Conditions:
GUCY2C-related disorder. Also called: GUCY2C-related condition.

Allele frequency attached by ClinVar (database versions not stated): ESP Exome Variant Server 0.01745; gnomAD 0.01837 and 0.01956; gnomAD exomes 0.00405; 1000 Genomes Project 0.01897; 1000 Genomes Project 30x 0.02014; ExAC 0.00479; TOPMed 0.01678.
gnomAD v4.1: 4,071 of 1,523,724 alleles (0.27%); highest among the groups gnomAD compares: African/African-American, 5.7%; 102 homozygotes.

Submissions (5):

Labcorp Genetics (formerly Invitae), Labcorp
Classification: Benign. Last evaluated: 2026-02-01. Review status: criteria provided, single submitter. Criteria: Invitae Variant Classification Sherloc (09022015). Collection method: clinical testing. Allele origin: germline.

Mayo Clinic Laboratories, Mayo Clinic
Classification: Benign. Last evaluated: 2024-09-26. Review status: criteria provided, single submitter. Criteria: ACMG Guidelines, 2015. Collection method: clinical testing. Allele origin: germline. Observed: 2 variant alleles.

GeneDx
Classification: Benign. Last evaluated: 2021-06-09. Review status: criteria provided, single submitter. Criteria: GeneDx Variant Classification Process June 2021. Collection method: clinical testing. Allele origin: germline. Affected: yes.

Breakthrough Genomics
Classification: Benign. Review status: criteria provided, single submitter. Criteria: ACMG Guidelines, 2015. Collection method: not provided. Allele origin: germline. Inheritance: Autosomal recessive inheritance. Affected: yes.

PreventionGenetics, part of Exact Sciences
Classification: Benign for GUCY2C-related condition. Last evaluated: 2019-11-26. Review status: no assertion criteria provided. Collection method: clinical testing. Allele origin: germline. Not counted in ClinVar's aggregate classification.
Comment: This variant is classified as benign based on ACMG/AMP sequence variant interpretation guidelines (Richards et al. 2015 PMID: 25741868, with internal and published modifications).